The following is an entry in ClinVar:

ClinVar aggregate classification (germline): Uncertain significance (1 of 4 stars; one submission).

Submission:

Ambry Genetics
Classification: Uncertain significance. Last evaluated: 2024-06-12. Review status: criteria provided, single submitter. Criteria: Ambry Variant Classification Scheme 2023. Collection method: clinical testing. Allele origin: germline.
Comment: The p.N1711S variant (also known as c.5132A>G), located in coding exon 16 of the POLQ gene, results from an A to G substitution at nucleotide position 5132. The asparagine at codon 1711 is replaced by serine, an amino acid with highly similar properties. This amino acid position is conserved. In addition, this alteration is predicted to be tolerated by in silico analysis. Based on the available evidence, the clinical significance of this variant remains unclear.

NM_199420.4(POLQ):c.5132A>G (p.Asn1711Ser)

Gene: POLQ (DNA polymerase theta; minus strand). Cytogenetic location: 3q13.33.
Variant type: single nucleotide variant.
Coding change: c.5132A>G on transcript NM_199420.4 (MANE Select); coding-DNA position 5132, A replaced by G.
Protein change: p.Asn1711Ser; replaces asparagine 1711 with serine.
Molecular consequence: missense variant.
Genome position (GRCh38, 1-based): chr3:121,487,799, T>C on the plus strand (A>G on the coding strand, the complement: POLQ is on the minus strand). VCF-style: chr3-121487799-T-C. GRCh37 (hg19) VCF-style: chr3-121206646-T-C.
Other names: short protein forms N1711S.
Identifiers: ClinVar variation 3308538 (VCV003308538.1).